The following is an entry in ClinVar:

ClinVar aggregate classification (germline): Uncertain significance (1 of 4 stars; one submission).

Conditions:
Hereditary cancer-predisposing syndrome. Also called: Hereditary Cancer Syndrome; Neoplastic Syndromes, Hereditary; Tumor predisposition; Hereditary neoplastic syndrome. Identifiers: Orphanet 140162, MedGen C0027672, MeSH D009386, MONDO:0015356.

Submission:

Color Diagnostics, LLC DBA Color Health
Classification: Uncertain significance for Hereditary cancer-predisposing syndrome. Last evaluated: 2023-12-05. Review status: criteria provided, single submitter. Criteria: ACMG Guidelines, 2015. Collection method: clinical testing. Allele origin: germline.
Comment: This missense variant replaces lysine with threonine at codon 1370 of the APC protein. Computational prediction suggests that this variant may not impact protein structure and function (internally defined REVEL score threshold <= 0.5, PMID: 27666373). To our knowledge, functional studies have not been reported for this variant. This variant has not been reported in individuals affected with APC-related disorders in the literature. This variant has not been identified in the general population by the Genome Aggregation Database (gnomAD). The available evidence is insufficient to determine the role of this variant in disease conclusively. Therefore, this variant is classified as a Variant of Uncertain Significance.

NM_000038.6(APC):c.4109A>C (p.Lys1370Thr)

Gene: APC (APC regulator of Wnt signaling pathway; plus strand). Cytogenetic location: 5q22.2.
Variant type: single nucleotide variant.
Coding change: c.4109A>C on transcript NM_000038.6 (MANE Select); coding-DNA position 4109, A replaced by C.
Protein change: p.Lys1370Thr; replaces lysine 1370 with threonine.
Molecular consequence: missense variant.
Genome position (GRCh38, 1-based): chr5:112,839,703, A>C. VCF-style: chr5-112839703-A-C. GRCh37 (hg19) VCF-style: chr5-112175400-A-C.
Other names: c.4109A>C, p.Lys1370Thr (NM_001127510.3, NM_001354895.2); c.4055A>C, p.Lys1352Thr (NM_001127511.3); c.4163A>C, p.Lys1388Thr (NM_001354896.2); c.4139A>C, p.Lys1380Thr (NM_001354897.2); c.4034A>C, p.Lys1345Thr (NM_001354898.2); c.4025A>C, p.Lys1342Thr (NM_001354899.2); c.3986A>C, p.Lys1329Thr (NM_001354900.2); c.3932A>C, p.Lys1311Thr (NM_001354901.2); and 5 more; short protein forms K1352T, K1370T, K1388T, K1269T, K1345T, K1210T, K1279T, K1311T.
Identifiers: ClinVar variation 489450 (VCV000489450.6), dbSNP rs1365778107, ClinGen allele CA16030329.